The following is an entry in ClinVar:

ClinVar aggregate classification (germline): Uncertain significance (1 of 4 stars; one submission).

Conditions:
Bethlem myopathy 1A. Also called: Bethlem myopathy 1; Bethlem Muscular Dystrophy; MYOPATHY, BENIGN CONGENITAL, WITH CONTRACTURES. Identifiers: Orphanet 610, MedGen CN029274, MONDO:0024530, OMIM 158810.

Submission:

Labcorp Genetics (formerly Invitae), Labcorp
Classification: Uncertain significance for Bethlem myopathy 1A. Last evaluated: 2022-07-06. Review status: criteria provided, single submitter. Criteria: Invitae Variant Classification Sherloc (09022015). Collection method: clinical testing. Allele origin: germline.
Comment: This sequence change replaces arginine, which is basic and polar, with threonine, which is neutral and polar, at codon 384 of the COL6A1 protein (p.Arg384Thr). This variant is not present in population databases (gnomAD no frequency). This variant has not been reported in the literature in individuals affected with COL6A1-related conditions. ClinVar contains an entry for this variant (Variation ID: 1398599). Advanced modeling of protein sequence and biophysical properties (such as structural, functional, and spatial information, amino acid conservation, physicochemical variation, residue mobility, and thermodynamic stability) performed at Invitae indicates that this missense variant is not expected to disrupt COL6A1 protein function. In summary, the available evidence is currently insufficient to determine the role of this variant in disease. Therefore, it has been classified as a Variant of Uncertain Significance.

NM_001848.3(COL6A1):c.1151G>C (p.Arg384Thr)

Gene: COL6A1 (collagen type VI alpha 1 chain; plus strand). Cytogenetic location: 21q22.3.
Variant type: single nucleotide variant.
Coding change: c.1151G>C on transcript NM_001848.3 (MANE Select); coding-DNA position 1151, G replaced by C.
Protein change: p.Arg384Thr; replaces arginine 384 with threonine.
Molecular consequence: missense variant.
Genome position (GRCh38, 1-based): chr21:45,992,041, G>C. VCF-style: chr21-45992041-G-C. GRCh37 (hg19) VCF-style: chr21-47411955-G-C.
Other names: short protein forms R384T.
Identifiers: ClinVar variation 1398599 (VCV001398599.8), dbSNP rs2123474648, ClinGen allele CA410524812.